The following is an entry in ClinVar:

NM_015340.4(LARS2):c.325G>A (p.Asp109Asn)

Gene: LARS2 (leucyl-tRNA synthetase 2, mitochondrial; plus strand). Cytogenetic location: 3p21.31.
Variant type: single nucleotide variant.
Coding change: c.325G>A on transcript NM_015340.4 (MANE Select); coding-DNA position 325, G replaced by A.
Protein change: p.Asp109Asn; replaces aspartic acid 109 with asparagine.
Molecular consequence: missense variant.
Genome position (GRCh38, 1-based): chr3:45,400,335, G>A. VCF-style: chr3-45400335-G-A. GRCh37 (hg19) VCF-style: chr3-45441827-G-A.
Other names: c.325G>A, p.Asp109Asn (NM_001368263.1); short protein forms D109N.
Identifiers: ClinVar variation 4046352 (VCV004046352.1).

ClinVar aggregate classification (germline): Uncertain significance (1 of 4 stars; one submission).

Conditions:
Inborn genetic diseases. Identifiers: MedGen C0950123, MeSH D030342.

Submission:

Ambry Genetics
Classification: Uncertain significance for Inborn genetic diseases. Last evaluated: 2025-05-13. Review status: criteria provided, single submitter. Criteria: Ambry Variant Classification Scheme 2023. Collection method: clinical testing. Allele origin: germline.
Comment: The c.325G>A (p.D109N) alteration is located in exon 4 (coding exon 2) of the LARS2 gene. This alteration results from a G to A substitution at nucleotide position 325, causing the aspartic acid (D) at amino acid position 109 to be replaced by an asparagine (N). Based on data from gnomAD, the A allele has an overall frequency of 0.003% (7/251176) total alleles studied. The highest observed frequency was 0.011% (2/18390) of East Asian alleles. This amino acid position is highly conserved in available vertebrate species. The in silico prediction for this alteration is inconclusive. Based on insufficient or conflicting evidence, the clinical significance of this alteration remains unclear.